The following is an entry in ClinVar:

NM_001377.3(DYNC2H1):c.658G>T (p.Val220Phe)

Gene: DYNC2H1 (dynein cytoplasmic 2 heavy chain 1; plus strand). Cytogenetic location: 11q22.3.
Variant type: single nucleotide variant.
Coding change: c.658G>T on transcript NM_001377.3 (MANE Select); coding-DNA position 658, G replaced by T.
Protein change: p.Val220Phe; replaces valine 220 with phenylalanine.
Molecular consequence: missense variant.
Genome position (GRCh38, 1-based): chr11:103,116,606, G>T. VCF-style: chr11-103116606-G-T. GRCh37 (hg19) VCF-style: chr11-102987335-G-T.
Other names: c.658G>T, p.Val220Phe (NM_001080463.2); short protein forms V220F.
Identifiers: ClinVar variation 578106 (VCV000578106.9), dbSNP rs1565311011, ClinGen allele CA382246235.

ClinVar aggregate classification (germline): Uncertain significance (1 of 4 stars; one submission).

Conditions:
Jeune thoracic dystrophy. Also called: Jeune syndrome; Infantile thoracic dystrophy; Thoracic pelvic phalangeal dystrophy; Jeune's syndrome; Chondroectodermal dysplasia-like syndrome; Short-rib thoracic dysplasia. Identifiers: Orphanet 474, MedGen C0265275, MONDO:0018770.

Submission:

Labcorp Genetics (formerly Invitae), Labcorp
Classification: Uncertain significance for Jeune thoracic dystrophy. Last evaluated: 2019-06-03. Review status: criteria provided, single submitter. Criteria: Invitae Variant Classification Sherloc (09022015). Collection method: clinical testing. Allele origin: germline.
Comment: In summary, the available evidence is currently insufficient to determine the role of this variant in disease. Therefore, it has been classified as a Variant of Uncertain Significance. Algorithms developed to predict the effect of missense changes on protein structure and function do not agree on the potential impact of this missense change (SIFT: "Deleterious"; PolyPhen-2: "Possibly Damaging"; Align-GVGD: "Class C0"). This variant has not been reported in the literature in individuals with DYNC2H1-related disease. This variant is not present in population databases (ExAC no frequency). This sequence change replaces valine with phenylalanine at codon 220 of the DYNC2H1 protein (p.Val220Phe). The valine residue is highly conserved and there is a small physicochemical difference between valine and phenylalanine.